The following is an entry in ClinVar:

NM_000377.3(WAS):c.274-9C>G

Gene: WAS (WASP actin nucleation promoting factor; plus strand). Cytogenetic location: Xp11.23.
Variant type: single nucleotide variant.
Coding change: c.274-9C>G on transcript NM_000377.3 (MANE Select); 9 bases into the intron before coding-DNA position 274, C replaced by G.
Molecular consequence: intron variant.
Genome position (GRCh38, 1-based): chrX:48,685,538, C>G. VCF-style: chrX-48685538-C-G. GRCh37 (hg19) VCF-style: chrX-48543927-C-G.
Identifiers: ClinVar variation 1026089 (VCV001026089.8), dbSNP rs2062416001, ClinGen allele CA2428354648.

ClinVar aggregate classification (germline): Uncertain significance (1 of 4 stars; one submission).

Conditions:
Thrombocytopenia 1. Also called: X-Linked Thrombocytopenia (XLT); X-linked thrombocytopenia with normal platelets; THROMBOCYTOPENIA, X-LINKED, 1. Identifiers: Orphanet 268322, Orphanet 852, MedGen C1839163, MONDO:0010743, OMIM 313900.
Wiskott-Aldrich syndrome (WAS). Also called: ALDRICH SYNDROME; IMMUNODEFICIENCY 2; Wiskott-aldrich syndrome, somatic; WISKOTT-ALDRICH SYNDROME 1. Identifiers: Orphanet 906, MedGen C0043194, MONDO:0010518, OMIM 301000.
X-linked severe congenital neutropenia (SCNX). Identifiers: Orphanet 86788, MedGen C1845987, MONDO:0010294, OMIM 300299.

Submission:

Labcorp Genetics (formerly Invitae), Labcorp
Classification: Uncertain significance for Wiskott-Aldrich syndrome; X-linked severe congenital neutropenia; Thrombocytopenia 1. Last evaluated: 2020-10-06. Review status: criteria provided, single submitter. Criteria: Invitae Variant Classification Sherloc (09022015). Collection method: clinical testing. Allele origin: germline.
Comment: This sequence change falls in intron 2 of the WAS gene. It does not directly change the encoded amino acid sequence of the WAS protein. This variant is not present in population databases (ExAC no frequency). This variant has not been reported in the literature in individuals with WAS-related conditions. Algorithms developed to predict the effect of sequence changes on RNA splicing suggest that this variant may disrupt the consensus splice site, but this prediction has not been confirmed by published transcriptional studies. In summary, the available evidence is currently insufficient to determine the role of this variant in disease. Therefore, it has been classified as a Variant of Uncertain Significance.